The following is an entry in ClinVar:

NM_000553.6(WRN):c.1698T>G (p.Asp566Glu)

Gene: WRN (WRN RecQ like helicase; plus strand). Cytogenetic location: 8p12.
Variant type: single nucleotide variant.
Coding change: c.1698T>G on transcript NM_000553.6 (MANE Select); coding-DNA position 1698, T replaced by G.
Protein change: p.Asp566Glu; replaces aspartic acid 566 with glutamic acid.
Molecular consequence: missense variant.
Genome position (GRCh38, 1-based): chr8:31,090,510, T>G. VCF-style: chr8-31090510-T-G. GRCh37 (hg19) VCF-style: chr8-30948026-T-G.
Other names: short protein forms D566E.
Identifiers: ClinVar variation 1479922 (VCV001479922.6), dbSNP rs571962311, ClinGen allele CA370927024.

ClinVar aggregate classification (germline): Uncertain significance (1 of 4 stars; one submission).

Conditions:
Werner syndrome (WRN). Identifiers: Orphanet 902, MedGen C0043119, MONDO:0010196, OMIM 277700.

gnomAD v4.1: 1 of 1,612,314 alleles (0.000062%); highest among the groups gnomAD compares: South Asian, 0.0011%; no homozygotes.

Submission:

Labcorp Genetics (formerly Invitae), Labcorp
Classification: Uncertain significance for Werner syndrome. Last evaluated: 2023-05-22. Review status: criteria provided, single submitter. Criteria: Invitae Variant Classification Sherloc (09022015). Collection method: clinical testing. Allele origin: germline.
Comment: In summary, the available evidence is currently insufficient to determine the role of this variant in disease. Therefore, it has been classified as a Variant of Uncertain Significance. An algorithm developed to predict the effect of missense changes on protein structure and function (PolyPhen-2) suggests that this variant is likely to be disruptive. ClinVar contains an entry for this variant (Variation ID: 1479922). This variant has not been reported in the literature in individuals affected with WRN-related conditions. This variant is present in population databases (no rsID available, gnomAD 0.003%). This sequence change replaces aspartic acid, which is acidic and polar, with glutamic acid, which is acidic and polar, at codon 566 of the WRN protein (p.Asp566Glu).